The following is an entry in ClinVar:

ClinVar aggregate classification (germline): Uncertain significance (1 of 4 stars; one submission).

Conditions:
Primary ciliary dyskinesia. Also called: Ciliary dyskinesia. Identifiers: Orphanet 244, MedGen C0008780, MONDO:0016575, HP:0012265.

Allele frequency attached by ClinVar (database versions not stated): gnomAD exomes below 0.00001.

Submission:

Labcorp Genetics (formerly Invitae), Labcorp
Classification: Uncertain significance for Primary ciliary dyskinesia. Last evaluated: 2019-04-17. Review status: criteria provided, single submitter. Criteria: Invitae Variant Classification Sherloc (09022015). Collection method: clinical testing. Allele origin: germline.
Comment: This sequence change affects codon 31 of the ZMYND10 mRNA. It is a 'silent' change, meaning that it does not change the encoded amino acid sequence of the ZMYND10 protein. This variant is not present in population databases (ExAC no frequency). This variant has not been reported in the literature in individuals with ZMYND10-related conditions. Algorithms developed to predict the effect of sequence changes on RNA splicing suggest that this variant may disrupt the consensus splice site, but this prediction has not been confirmed by published transcriptional studies. In summary, the available evidence is currently insufficient to determine the role of this variant in disease. Therefore, it has been classified as a Variant of Uncertain Significance.

NM_015896.4(ZMYND10):c.93G>A (p.Gly31=)

Gene: ZMYND10 (zinc finger MYND-type containing 10; minus strand). Cytogenetic location: 3p21.31.
Variant type: single nucleotide variant.
Coding change: c.93G>A on transcript NM_015896.4 (MANE Select); coding-DNA position 93, G replaced by A.
Protein change: p.Gly31=; no amino-acid change (glycine 31 retained).
Molecular consequence: synonymous variant.
Genome position (GRCh38, 1-based): chr3:50,345,232, C>T on the plus strand (G>A on the coding strand, the complement: ZMYND10 is on the minus strand). VCF-style: chr3-50345232-C-T. GRCh37 (hg19) VCF-style: chr3-50382663-C-T.
Other names: c.93G>A, p.Gly31= (NM_001308379.2).
Identifiers: ClinVar variation 842520 (VCV000842520.1), dbSNP rs1703507170, ClinGen allele CA433710526.